The following is an entry in ClinVar:

ClinVar aggregate classification (germline): Uncertain significance (1 of 4 stars; one submission).

Conditions:
Hereditary cancer-predisposing syndrome. Also called: Neoplastic Syndromes, Hereditary; Tumor predisposition; Hereditary Cancer Syndrome; Hereditary neoplastic syndrome. Identifiers: Orphanet 140162, MedGen C0027672, MeSH D009386, MONDO:0015356.

Submission:

Ambry Genetics
Classification: Uncertain significance for Hereditary cancer-predisposing syndrome. Last evaluated: 2026-03-26. Review status: criteria provided, single submitter. Criteria: Ambry Variant Classification Scheme 2023. Collection method: clinical testing. Allele origin: germline.
Comment: The p.V115G variant (also known as c.344T>G), located in coding exon 4 of the SDHD gene, results from a T to G substitution at nucleotide position 344. The valine at codon 115 is replaced by glycine, an amino acid with dissimilar properties. This amino acid position is conserved. In addition, this alteration is predicted to be deleterious by in silico analysis. Based on the available evidence, the clinical significance of this variant remains unclear.

NM_003002.4(SDHD):c.344T>G (p.Val115Gly)

Gene: SDHD (succinate dehydrogenase complex subunit D; plus strand). Cytogenetic location: 11q23.1.
Variant type: single nucleotide variant.
Coding change: c.344T>G on transcript NM_003002.4 (MANE Select); coding-DNA position 344, T replaced by G.
Protein change: p.Val115Gly; replaces valine 115 with glycine.
Molecular consequence: missense variant. On other transcripts: 3 prime UTR variant (1), non-coding transcript variant (1).
Genome position (GRCh38, 1-based): chr11:112,094,834, T>G. VCF-style: chr11-112094834-T-G. GRCh37 (hg19) VCF-style: chr11-111965558-T-G.
Other names: c.199T>G, p.Phe67Val (NM_001276503.2); c.227T>G, p.Val76Gly (NM_001276504.2); c.*42T>G (NM_001276506.2); short protein forms F67V, V115G, V76G.
Identifiers: ClinVar variation 4864290 (VCV004864290.1).